The following is an entry in ClinVar:

NM_138927.4(SON):c.607G>C (p.Glu203Gln)

Gene: SON (SON DNA and RNA binding protein; plus strand). Cytogenetic location: 21q22.11.
Variant type: single nucleotide variant.
Coding change: c.607G>C on transcript NM_138927.4 (MANE Select); coding-DNA position 607, G replaced by C.
Protein change: p.Glu203Gln; replaces glutamic acid 203 with glutamine.
Molecular consequence: missense variant. On other transcripts: non-coding transcript variant (1), intron variant (1).
Genome position (GRCh38, 1-based): chr21:33,549,838, G>C. VCF-style: chr21-33549838-G-C. GRCh37 (hg19) VCF-style: chr21-34922144-G-C.
Other names: c.607G>C (NM_138927.2); c.607G>C, p.Glu203Gln (NM_001291411.2, NM_001412133.1, NM_032195.3 and 2 more transcripts); c.244+3459G>C (NM_001291412.3); short protein forms E203Q.
Identifiers: ClinVar variation 2898028 (VCV002898028.12), dbSNP rs554241846, ClinGen allele CA10008721.
Genomic context (GRCh38, chr21:33,549,838, plus strand): 5'-CCTGCAGTTGTGCTAGAACCTCCTGTAGTATCAATGGAGGTATCAGAGCCACACATCTTA[G>C]AAACTCTGAAGCCAGCTACAAAAACTGCAGAACTGTCAGTTGTATCTACATCAGTAATCT-3'
Protein context (NP_620305.3, residues 193-213): SMEVSEPHIL[Glu203Gln]TLKPATKTAE

ClinVar aggregate classification (germline): Conflicting classifications of pathogenicity. Review status: criteria provided, conflicting classifications (1 of 4 stars). 3 submissions from 3 submitters: Uncertain significance (1); Likely benign (2). Last evaluated 2026-03-11.

Allele frequency attached by ClinVar (database versions not stated): gnomAD 0.00005; ExAC 0.00006; TOPMed 0.00006; gnomAD exomes 0.00015.

Submissions (3):

GeneDx
Classification: Uncertain significance. Last evaluated: 2026-03-11. Review status: criteria provided, single submitter. Criteria: GeneDx Variant Classification Process June 2021. Collection method: clinical testing. Allele origin: germline.
Comment: Has not been previously published as pathogenic or benign to our knowledge; In silico analysis suggests that this missense variant does not alter protein structure/function

CeGaT Center for Human Genetics Tuebingen
Classification: Likely benign. Last evaluated: 2025-08-01. Review status: criteria provided, single submitter. Criteria: CeGaT Center For Human Genetics Tuebingen Variant Classification Criteria Version 2. Collection method: clinical testing. Allele origin: germline. Affected: yes. Observed: 1 variant allele.
Comment: SON: BP4

Labcorp Genetics (formerly Invitae), Labcorp
Classification: Likely benign. Last evaluated: 2025-03-31. Review status: criteria provided, single submitter. Criteria: Invitae Variant Classification Sherloc (09022015). Collection method: clinical testing. Allele origin: germline.